The following is an entry in ClinVar:

NM_014915.3(ANKRD26):c.105C>G (p.Tyr35Ter)

Genes: ANKRD26 (ankyrin repeat domain 26; minus strand), LOC130003554 (ATAC-STARR-seq lymphoblastoid silent region 2243; plus strand). Cytogenetic location: 10p12.1.
Variant type: single nucleotide variant.
Coding change: c.105C>G on transcript NM_014915.3 (MANE Select); coding-DNA position 105, C replaced by G.
Protein change: p.Tyr35Ter; replaces tyrosine 35 with a stop codon.
Molecular consequence: nonsense.
Genome position (GRCh38, 1-based): chr10:27,100,222, G>C on the plus strand (C>G on the coding strand, the complement: ANKRD26 is on the minus strand). VCF-style: chr10-27100222-G-C. GRCh37 (hg19) VCF-style: chr10-27389151-G-C.
Other names: c.105C>G, p.Tyr35Ter (NM_001256053.2); short protein forms Y35*.
Identifiers: ClinVar variation 1312613 (VCV001312613.9), dbSNP rs201752741, ClinGen allele CA5449066.

ClinVar aggregate classification (germline): Uncertain significance. Review status: criteria provided, multiple submitters, no conflicts (2 of 4 stars). 3 submissions from 3 submitters: Uncertain significance (2). 1 of the submissions does not count toward it. Last evaluated 2025-08-03.

Conditions:
ANKRD26-related disorder. Also called: ANKRD26-related condition.

Allele frequency attached by ClinVar (database versions not stated): TOPMed 0.00006; gnomAD exomes 0.00009; ExAC 0.00008; ESP Exome Variant Server 0.00017; gnomAD 0.00009 and 0.00011.
gnomAD v4.1: 123 of 1,612,962 alleles (0.0076%); highest among the groups gnomAD compares: Non-Finnish European, 0.0082%; 1 homozygote.

Submissions (3):

Labcorp Genetics (formerly Invitae), Labcorp
Classification: Uncertain significance. Last evaluated: 2025-08-03. Review status: criteria provided, single submitter. Criteria: Invitae Variant Classification Sherloc (09022015). Collection method: clinical testing. Allele origin: germline.
Comment: This sequence change creates a premature translational stop signal (p.Tyr35*) in the ANKRD26 gene. It is expected to result in an absent or disrupted protein product. However, the current clinical and genetic evidence is not sufficient to establish whether loss-of-function variants in ANKRD26 cause disease. This variant is present in population databases (rs201752741, gnomAD 0.03%). This premature translational stop signal has been observed in individual(s) with acute myeloid leukemia (PMID: 28100250). ClinVar contains an entry for this variant (Variation ID: 1312613). Algorithms developed to predict the effect of variants on gene product structure and function are not available or were not evaluated for this variant. Experimental studies have shown that this premature translational stop signal affects ANKRD26 function (PMID: 28100250). In summary, the available evidence is currently insufficient to determine the role of this variant in disease. Therefore, it has been classified as a Variant of Uncertain Significance.

GeneDx
Classification: Uncertain significance. Last evaluated: 2023-12-20. Review status: criteria provided, single submitter. Criteria: GeneDx Variant Classification Process June 2021. Collection method: clinical testing. Allele origin: germline. Affected: yes.
Comment: Nonsense variant predicted to result in protein truncation or nonsense mediated decay in a gene for which loss-of-function is not a known mechanism of disease; Observed in a patient with AML (PMID: 28100250); Published functional studies demonstrate no damaging effect: similar stability and ability to activate the ERK pathway as wild type (PMID: 28100250); This variant is associated with the following publications: (PMID: 28100250, Savoia2017[Review])

PreventionGenetics, part of Exact Sciences
Classification: Uncertain significance for ANKRD26-related condition. Last evaluated: 2024-07-05. Review status: no assertion criteria provided. Collection method: clinical testing. Allele origin: germline. Not counted in ClinVar's aggregate classification.
Comment: The ANKRD26 c.105C>G variant is predicted to result in premature protein termination (p.Tyr35*). This variant has been reported in individuals with acute myeloid leukemia (AML; Marconi et al. 2017. PubMed ID: 28100250). Though this variant results in the synthesis of a N-terminal truncated protein, biochemical studies determined this variant did not decrease overall protein function (Marconi et al. 2017. PubMed ID: 28100250). This variant is reported in 0.029% of alleles in individuals of European (Finnish) descent in gnomAD and interpreted as a variant of uncertain significance in ClinVar. ANKRD26 haploinsufficiency is not known to cause disease. In summary, At this time, the clinical significance of this variant is uncertain due to the absence of conclusive functional and genetic evidence.

Literature cited by the submitters: PubMed 28100250 (cited by Labcorp Genetics (formerly Invitae), Labcorp).